The following is an entry in ClinVar:

ClinVar aggregate classification (germline): Conflicting classifications of pathogenicity. Review status: criteria provided, conflicting classifications (1 of 4 stars). 2 submissions from 2 submitters: Uncertain significance (1); Likely benign (1). Last evaluated 2023-03-23.

Conditions:
Hereditary cancer-predisposing syndrome. Also called: Neoplastic Syndromes, Hereditary; Tumor predisposition; Hereditary Cancer Syndrome; Hereditary neoplastic syndrome. Identifiers: Orphanet 140162, MedGen C0027672, MeSH D009386, MONDO:0015356.

Submissions (2):

University of Washington Department of Laboratory Medicine, University of Washington
Classification: Likely benign for Hereditary cancer-predisposing syndrome. Last evaluated: 2023-03-23. Review status: criteria provided, single submitter. Criteria: Dines et al. (Genet Med. 2020). Collection method: curation. Allele origin: germline.
Comment: Missense variant in a coldspot region where missense variants are very unlikely to be pathogenic (PMID:31911673).

BRCA2 exon 11 coldspot. Reclassification based on statistical prior probability.

Ambry Genetics
Classification: Uncertain significance for Hereditary cancer-predisposing syndrome. Last evaluated: 2022-04-23. Review status: criteria provided, single submitter. Criteria: Ambry Variant Classification Scheme 2023. Collection method: clinical testing. Allele origin: germline.
Comment: The p.S2267T variant (also known as c.6799T>A), located in coding exon 10 of the BRCA2 gene, results from a T to A substitution at nucleotide position 6799. The serine at codon 2267 is replaced by threonine, an amino acid with similar properties. This amino acid position is conserved. In addition, the in silico prediction for this alteration is inconclusive. Since supporting evidence is limited at this time, the clinical significance of this alteration remains unclear.

NM_000059.4(BRCA2):c.6799T>A (p.Ser2267Thr)

Gene: BRCA2 (BRCA2 DNA repair associated; plus strand). Cytogenetic location: 13q13.1.
Variant type: single nucleotide variant.
Coding change: c.6799T>A on transcript NM_000059.4 (MANE Select); coding-DNA position 6799, T replaced by A.
Protein change: p.Ser2267Thr; replaces serine 2267 with threonine.
Molecular consequence: missense variant.
Genome position (GRCh38, 1-based): chr13:32,341,154, T>A. VCF-style: chr13-32341154-T-A. GRCh37 (hg19) VCF-style: chr13-32915291-T-A.
Other names: c.6799T>A, p.Ser2267Thr (NM_001406719.1, NM_001406720.1); short protein forms S2267T.
Identifiers: ClinVar variation 1755480 (VCV001755480.4), dbSNP rs2137530762, ClinGen allele CA387791343.